The following is an entry in ClinVar:

NM_014915.3(ANKRD26):c.83G>T (p.Gly28Val)

Genes: ANKRD26 (ankyrin repeat domain 26; minus strand), LOC130003554 (ATAC-STARR-seq lymphoblastoid silent region 2243; plus strand). Cytogenetic location: 10p12.1.
Variant type: single nucleotide variant.
Coding change: c.83G>T on transcript NM_014915.3 (MANE Select); coding-DNA position 83, G replaced by T.
Protein change: p.Gly28Val; replaces glycine 28 with valine.
Molecular consequence: missense variant.
Genome position (GRCh38, 1-based): chr10:27,100,244, C>A on the plus strand (G>T on the coding strand, the complement: ANKRD26 is on the minus strand). VCF-style: chr10-27100244-C-A. GRCh37 (hg19) VCF-style: chr10-27389173-C-A.
Other names: c.83G>T, p.Gly28Val (NM_001256053.2); short protein forms G28V.
Identifiers: ClinVar variation 1337051 (VCV001337051.10), dbSNP rs773171424, ClinGen allele CA5449078.

ClinVar aggregate classification (germline): Conflicting classifications of pathogenicity. Review status: criteria provided, conflicting classifications (1 of 4 stars). 5 submissions from 5 submitters: Uncertain significance (4); Likely benign (1). Last evaluated 2025-11-03.

Conditions:
Inborn genetic diseases. Identifiers: MedGen C0950123, MeSH D030342.

Allele frequency attached by ClinVar (database versions not stated): gnomAD 0.00001; TOPMed 0.00001; gnomAD exomes 0.00002; ExAC 0.00003.
gnomAD v4.1: 13 of 1,611,296 alleles (0.00081%); highest among the groups gnomAD compares: Admixed American, 0.0067%; no homozygotes.

Submissions (5):

Ambry Genetics
Classification: Uncertain significance for Inborn genetic diseases. Last evaluated: 2025-11-03. Review status: criteria provided, single submitter. Criteria: Ambry Variant Classification Scheme 2023. Collection method: clinical testing. Allele origin: germline.

Labcorp Genetics (formerly Invitae), Labcorp
Classification: Uncertain significance. Last evaluated: 2024-12-07. Review status: criteria provided, single submitter. Criteria: Invitae Variant Classification Sherloc (09022015). Collection method: clinical testing. Allele origin: germline.
Comment: This sequence change replaces glycine, which is neutral and non-polar, with valine, which is neutral and non-polar, at codon 28 of the ANKRD26 protein (p.Gly28Val). This variant is present in population databases (rs773171424, gnomAD 0.009%). This variant has not been reported in the literature in individuals affected with ANKRD26-related conditions. ClinVar contains an entry for this variant (Variation ID: 1337051). An algorithm developed to predict the effect of missense changes on protein structure and function (PolyPhen-2) suggests that this variant is likely to be tolerated. In summary, the available evidence is currently insufficient to determine the role of this variant in disease. Therefore, it has been classified as a Variant of Uncertain Significance.

Blueprint Genetics
Classification: Likely benign. Last evaluated: 2024-09-30. Review status: criteria provided, single submitter. Criteria: ACMG Guidelines, 2015. Collection method: clinical testing. Allele origin: germline.

Genetic Services Laboratory, University of Chicago
Classification: Uncertain significance. Last evaluated: 2019-02-22. Review status: criteria provided, single submitter. Criteria: ACMG Guidelines, 2015. Collection method: clinical testing. Allele origin: germline. Affected: no.

Breakthrough Genomics
Classification: Uncertain significance. Review status: criteria provided, single submitter. Criteria: ACMG Guidelines, 2015. Collection method: not provided. Allele origin: germline. Inheritance: Autosomal dominant inheritance. Affected: yes.